The following is an entry in ClinVar:

NM_001352514.2(HLCS):c.1685C>A (p.Ser562Tyr)

Gene: HLCS (holocarboxylase synthetase; minus strand). Cytogenetic location: 21q22.13.
Variant type: single nucleotide variant.
Coding change: c.1685C>A on transcript NM_001352514.2 (MANE Select); coding-DNA position 1685, C replaced by A.
Protein change: p.Ser562Tyr; replaces serine 562 with tyrosine.
Molecular consequence: missense variant. On other transcripts: non-coding transcript variant (2).
Genome position (GRCh38, 1-based): chr21:36,897,067, G>T on the plus strand (C>A on the coding strand, the complement: HLCS is on the minus strand). VCF-style: chr21-36897067-G-T. GRCh37 (hg19) VCF-style: chr21-38269367-G-T.
Other names: c.1244C>A, p.Ser415Tyr (NM_001352515.2, NM_000411.8, NM_001242784.3 and 4 more transcripts); short protein forms S415Y, S562Y.
Identifiers: ClinVar variation 989619 (VCV000989619.5), dbSNP rs770873445, ClinGen allele CA10020488.

ClinVar aggregate classification (germline): Uncertain significance. Review status: criteria provided, single submitter (1 of 4 stars). 2 submissions from 2 submitters: Uncertain significance (1). 1 of the submissions does not count toward it. Last evaluated 2024-03-11.

Conditions:
Holocarboxylase synthetase deficiency. Also called: MULTIPLE CARBOXYLASE DEFICIENCY, EARLY ONSET. Identifiers: Orphanet 79242, MedGen C0268581, MONDO:0009666, OMIM 253270.

Allele frequency attached by ClinVar (database versions not stated): TOPMed 0.00001; ExAC 0.00002.

Submissions (2):

Labcorp Genetics (formerly Invitae), Labcorp
Classification: Uncertain significance for Holocarboxylase synthetase deficiency. Last evaluated: 2024-03-11. Review status: criteria provided, single submitter. Criteria: Invitae Variant Classification Sherloc (09022015). Collection method: clinical testing. Allele origin: germline.
Comment: This sequence change replaces serine, which is neutral and polar, with tyrosine, which is neutral and polar, at codon 415 of the HLCS protein (p.Ser415Tyr). The frequency data for this variant in the population databases is considered unreliable, as metrics indicate poor data quality at this position in the gnomAD database. This variant has not been reported in the literature in individuals affected with HLCS-related conditions. ClinVar contains an entry for this variant (Variation ID: 989619). Advanced modeling of protein sequence and biophysical properties (such as structural, functional, and spatial information, amino acid conservation, physicochemical variation, residue mobility, and thermodynamic stability) performed at Invitae indicates that this missense variant is expected to disrupt HLCS protein function with a positive predictive value of 80%. In summary, the available evidence is currently insufficient to determine the role of this variant in disease. Therefore, it has been classified as a Variant of Uncertain Significance.

Natera, Inc.
Classification: Uncertain significance for Holocarboxylase synthetase deficiency. Last evaluated: 2020-08-13. Review status: no assertion criteria provided. Collection method: clinical testing. Allele origin: germline. Not counted in ClinVar's aggregate classification.